The following is an entry in ClinVar:

NM_005419.4(STAT2):c.898C>T (p.Arg300Cys)

Gene: STAT2 (signal transducer and activator of transcription 2; minus strand). Cytogenetic location: 12q13.3.
Variant type: single nucleotide variant.
Coding change: c.898C>T on transcript NM_005419.4 (MANE Select); coding-DNA position 898, C replaced by T.
Protein change: p.Arg300Cys; replaces arginine 300 with cysteine.
Molecular consequence: missense variant.
Genome position (GRCh38, 1-based): chr12:56,351,335, G>A on the plus strand (C>T on the coding strand, the complement: STAT2 is on the minus strand). VCF-style: chr12-56351335-G-A. GRCh37 (hg19) VCF-style: chr12-56745119-G-A.
Other names: c.886C>T, p.Arg296Cys (NM_001385110.1, NM_001385115.1, NM_198332.2); c.898C>T, p.Arg300Cys (NM_001385111.1, NM_001385113.1, NM_001385114.1); c.898C>T (NM_005419.3); short protein forms R300C, R296C.
Identifiers: ClinVar variation 2200343 (VCV002200343.3), dbSNP rs573888623, ClinGen allele CA6630735.

ClinVar aggregate classification (germline): Uncertain significance. Review status: criteria provided, multiple submitters, no conflicts (2 of 4 stars). 3 submissions from 3 submitters: Uncertain significance (3). Last evaluated 2025-03-21.

Conditions:
Inborn genetic diseases. Identifiers: MedGen C0950123, MeSH D030342.
Primary immunodeficiency with post-measles-mumps-rubella vaccine viral infection. Also called: Immunodeficiency 44. Identifiers: Orphanet 431166, MedGen C4225260, MONDO:0014715, OMIM 616636.

Allele frequency attached by ClinVar (database versions not stated): gnomAD exomes 0.00001; gnomAD 0.00003; ExAC 0.00005; TOPMed 0.00005.
gnomAD v4.1: 21 of 1,614,164 alleles (0.0013%); highest among the groups gnomAD compares: Middle Eastern, 0.05%; no homozygotes.

Submissions (3):

Ambry Genetics
Classification: Uncertain significance for Inborn genetic diseases. Last evaluated: 2025-03-21. Review status: criteria provided, single submitter. Criteria: Ambry Variant Classification Scheme 2023. Collection method: clinical testing. Allele origin: germline.

Blueprint Genetics
Classification: Uncertain significance. Last evaluated: 2021-11-04. Review status: criteria provided, single submitter. Criteria: ACMG Guidelines, 2015. Collection method: clinical testing. Allele origin: germline.

Labcorp Genetics (formerly Invitae), Labcorp
Classification: Uncertain significance for Primary immunodeficiency with post-measles-mumps-rubella vaccine viral infection. Last evaluated: 2021-08-28. Review status: criteria provided, single submitter. Criteria: Invitae Variant Classification Sherloc (09022015). Collection method: clinical testing. Allele origin: germline.
Comment: This sequence change replaces arginine with cysteine at codon 300 of the STAT2 protein (p.Arg300Cys). The arginine residue is weakly conserved and there is a large physicochemical difference between arginine and cysteine. This variant is present in population databases (rs573888623, ExAC 0.05%). This variant has not been reported in the literature in individuals affected with STAT2-related conditions. Algorithms developed to predict the effect of missense changes on protein structure and function are either unavailable or do not agree on the potential impact of this missense change (SIFT: "Deleterious"; PolyPhen-2: "Possibly Damaging"; Align-GVGD: "Class C15"). In summary, the available evidence is currently insufficient to determine the role of this variant in disease. Therefore, it has been classified as a Variant of Uncertain Significance.